The following is an entry in ClinVar:

ClinVar aggregate classification (germline): Benign/Likely benign. Review status: criteria provided, multiple submitters, no conflicts (2 of 4 stars). 4 submissions from 4 submitters: Benign (1); Likely benign (3). Last evaluated 2025-02-12.

Conditions:
Juvenile polyposis syndrome (JPS). Identifiers: Orphanet 2929, MedGen C0345893, MONDO:0017380, OMIM 174900.
Hereditary cancer-predisposing syndrome. Also called: Hereditary neoplastic syndrome; Tumor predisposition; Neoplastic Syndromes, Hereditary; Hereditary Cancer Syndrome. Identifiers: Orphanet 140162, MedGen C0027672, MeSH D009386, MONDO:0015356.

Allele frequency attached by ClinVar (database versions not stated): gnomAD exomes 0.00001.
gnomAD v4.1: 11 of 1,614,234 alleles (0.00068%); highest among the groups gnomAD compares: Non-Finnish European, 0.00093%; no homozygotes.

Submissions (4):

Labcorp Genetics (formerly Invitae), Labcorp
Classification: Likely benign for Juvenile polyposis syndrome. Last evaluated: 2025-02-12. Review status: criteria provided, single submitter. Criteria: Invitae Variant Classification Sherloc (09022015). Collection method: clinical testing. Allele origin: germline.

Myriad Genetics, Inc.
Classification: Benign for Juvenile polyposis syndrome. Last evaluated: 2024-08-07. Review status: criteria provided, single submitter. Criteria: Myriad Autosomal Dominant, Autosomal Recessive and X-Linked Classification Criteria (2023). Collection method: clinical testing. Allele origin: unknown.
Comment: This variant is considered benign. This variant is a silent/synonymous amino acid change and it is not expected to impact splicing.

Color Diagnostics, LLC DBA Color Health
Classification: Likely benign for Hereditary cancer-predisposing syndrome. Last evaluated: 2023-04-23. Review status: criteria provided, single submitter. Criteria: ACMG Guidelines, 2015. Collection method: clinical testing. Allele origin: germline.

Ambry Genetics
Classification: Likely benign for Hereditary cancer-predisposing syndrome. Last evaluated: 2020-07-21. Review status: criteria provided, single submitter. Criteria: Ambry Variant Classification Scheme 2023. Collection method: clinical testing. Allele origin: germline.

NM_004329.3(BMPR1A):c.1323T>C (p.Ala441=)

Gene: BMPR1A (bone morphogenetic protein receptor type 1A; plus strand). Cytogenetic location: 10q23.2.
Variant type: single nucleotide variant.
Coding change: c.1323T>C on transcript NM_004329.3 (MANE Select); coding-DNA position 1323, T replaced by C.
Protein change: p.Ala441=; no amino-acid change (alanine 441 retained).
Molecular consequence: synonymous variant.
Genome position (GRCh38, 1-based): chr10:86,921,676, T>C. VCF-style: chr10-86921676-T-C. GRCh37 (hg19) VCF-style: chr10-88681433-T-C.
Identifiers: ClinVar variation 1105758 (VCV001105758.14), dbSNP rs2133608618, ClinGen allele CA470308447.